The following is an entry in ClinVar:

NM_015346.4(ZFYVE26):c.5303C>G (p.Ser1768Cys)

Gene: ZFYVE26 (zinc finger FYVE-type containing 26; minus strand). Cytogenetic location: 14q24.1.
Variant type: single nucleotide variant.
Coding change: c.5303C>G on transcript NM_015346.4 (MANE Select); coding-DNA position 5303, C replaced by G.
Protein change: p.Ser1768Cys; replaces serine 1768 with cysteine.
Molecular consequence: missense variant.
Genome position (GRCh38, 1-based): chr14:67,775,033, G>C on the plus strand (C>G on the coding strand, the complement: ZFYVE26 is on the minus strand). VCF-style: chr14-67775033-G-C. GRCh37 (hg19) VCF-style: chr14-68241750-G-C.
Other names: short protein forms S1768C.
Identifiers: ClinVar variation 3366994 (VCV003366994.1).

ClinVar aggregate classification (germline): Uncertain significance (1 of 4 stars; one submission).

Conditions:
Hereditary spastic paraplegia 15 (SPG15). Also called: SPASTIC PARAPLEGIA AND RETINAL DEGENERATION; SPASTIC PARAPLEGIA 15, AUTOSOMAL RECESSIVE; KJELLIN SYNDROME. Identifiers: Orphanet 100996, MedGen C1849128, MONDO:0010044, OMIM 270700.

gnomAD v4.1: 2 of 1,611,166 alleles (0.00012%); highest among the groups gnomAD compares: Admixed American, 0.0033%; no homozygotes.

Submission:

Neuberg Centre For Genomic Medicine, NCGM
Classification: Uncertain significance for Hereditary spastic paraplegia 15. Last evaluated: 2023-05-20. Review status: criteria provided, single submitter. Criteria: ACMG Guidelines, 2015. Collection method: clinical testing. Allele origin: germline. Inheritance: Autosomal recessive inheritance. Affected: yes.
Comment: The missense variant c.5303C>G(p.Ser1768Cys) in ZFYVE26 gene has not been reported previously as a pathogenic variant nor as a benign variant, to our knowledge. The observed variant has allele frequency of 0.0004% in gnomAD exomes database. This variant has not been submitted to the ClinVar database. Multiple lines of computational evidence (Polyphen - possibly damaging, SIFT - tolerated and MutationTaster - polymorphism) predicts conflicting evidence on protein structure and function for this variant. The reference amino acid change p.Ser1768Cys in ZFYVE26 is predicted as conserved by GERP++ and PhyloP across 100 vertebrates. The amino acid Ser at position 1768 is changed to a Cys changing protein sequence and it might alter its composition and physicochemical properties. For these reasons, this variant has been classified as Uncertain Significance (VUS). In the absence of another reportable variant in ZFYVE26 gene, the molecular diagnosis is not confirmed.